The following is an entry in ClinVar:

NM_182961.4(SYNE1):c.6470A>G (p.Lys2157Arg)

Gene: SYNE1 (spectrin repeat containing nuclear envelope protein 1; minus strand). Cytogenetic location: 6q25.2.
Variant type: single nucleotide variant.
Coding change: c.6470A>G on transcript NM_182961.4 (MANE Select); coding-DNA position 6470, A replaced by G.
Protein change: p.Lys2157Arg; replaces lysine 2157 with arginine.
Molecular consequence: missense variant.
Genome position (GRCh38, 1-based): chr6:152,409,138, T>C on the plus strand (A>G on the coding strand, the complement: SYNE1 is on the minus strand). VCF-style: chr6-152409138-T-C. GRCh37 (hg19) VCF-style: chr6-152730273-T-C.
Other names: p.Lys2164Arg; c.6491A>G, p.Lys2164Arg (NM_033071.5); short protein forms K2157R, K2164R.
Identifiers: ClinVar variation 130448 (VCV000130448.24), dbSNP rs75989452, ClinGen allele CA155483.

ClinVar aggregate classification (germline): Benign. Review status: criteria provided, multiple submitters, no conflicts (2 of 4 stars). 9 submissions from 8 submitters: Benign (6). 3 of the submissions do not count toward it. Last evaluated 2026-02-01.

Conditions:
Emery-Dreifuss muscular dystrophy 4, autosomal dominant (EDMD4). Also called: EMERY-DREIFUSS MUSCULAR DYSTROPHY 4 WITH VARIABLE FEATURES. Identifiers: Orphanet 261, MedGen C2751807, MONDO:0013071, OMIM 612998.
Autosomal recessive ataxia, Beauce type. Also called: SYNE1-Related Autosomal Recessive Cerebellar Ataxia; ATAXIA, RECESSIVE, OF BEAUCE; Spinocerebellar ataxia, autosomal recessive 8; SYNE1 Deficiency. Identifiers: Orphanet 88644, MedGen C1853116, MONDO:0012549, OMIM 610743.

Allele frequency attached by ClinVar (database versions not stated): gnomAD exomes 0.00597 and 0.00254; 1000 Genomes Project 0.02177; ESP Exome Variant Server 0.02507; TOPMed 0.02684; gnomAD 0.02484 and 0.02333; ExAC 0.00704; 1000 Genomes Project 30x 0.02436.
gnomAD v4.1: 7,463 of 1,614,154 alleles (0.46%); highest among the groups gnomAD compares: African/African-American, 7.9%; 220 homozygotes.

Submissions (9):

Labcorp Genetics (formerly Invitae), Labcorp
Classification: Benign for Emery-Dreifuss muscular dystrophy 4, autosomal dominant; Autosomal recessive ataxia, Beauce type. Last evaluated: 2026-02-01. Review status: criteria provided, single submitter. Criteria: Invitae Variant Classification Sherloc (09022015). Collection method: clinical testing. Allele origin: germline.

Athena Diagnostics
Classification: Benign. Last evaluated: 2024-05-09. Review status: criteria provided, single submitter. Criteria: Athena Diagnostics Criteria. Collection method: clinical testing. Allele origin: unknown.

Mayo Clinic Laboratories, Mayo Clinic
Classification: Benign. Last evaluated: 2018-04-11. Review status: criteria provided, single submitter. Criteria: ACMG Guidelines, 2015. Collection method: clinical testing. Allele origin: germline. Observed: 23 variant alleles.

Illumina Laboratory Services, Illumina
Classification: Benign for Autosomal recessive ataxia, Beauce type. Last evaluated: 2018-01-12. Review status: criteria provided, single submitter. Criteria: ICSL Variant Classification Criteria 13 December 2019. Collection method: clinical testing. Allele origin: germline.
Comment: This variant was observed in the ICSL laboratory as part of a predisposition screen in an ostensibly healthy population. It had not been previously curated by ICSL or reported in the Human Gene Mutation Database (HGMD: prior to June 1st, 2018), and was therefore a candidate for classification through an automated scoring system. Utilizing variant allele frequency, disease prevalence and penetrance estimates, and inheritance mode, an automated score was calculated to assess if this variant is too frequent to cause the disease. Based on the score and internal cut-off values, a variant classified as benign is not then subjected to further curation. The score for this variant resulted in a classification of benign for this disease.

Illumina Laboratory Services, Illumina
Classification: Benign for Emery-Dreifuss muscular dystrophy 4, autosomal dominant. Last evaluated: 2018-01-12. Review status: criteria provided, single submitter. Criteria: ICSL Variant Classification Criteria 13 December 2019. Collection method: clinical testing. Allele origin: germline.
Comment: the same text as in the submission from Illumina Laboratory Services, Illumina above.

GeneDx
Classification: Benign. Last evaluated: 2016-03-21. Review status: criteria provided, single submitter. Criteria: GeneDx Variant Classification (06012015). Collection method: clinical testing. Allele origin: germline. Affected: yes.
Comment: This variant is considered likely benign or benign based on one or more of the following criteria: it is a conservative change, it occurs at a poorly conserved position in the protein, it is predicted to be benign by multiple in silico algorithms, and/or has population frequency not consistent with disease.

Clinical Genetics DNA and cytogenetics Diagnostics Lab, Erasmus MC, Erasmus Medical Center
Classification: Benign. Review status: no assertion criteria provided. Collection method: clinical testing. Allele origin: germline. Affected: yes. Study: VKGL Data-share Consensus. Not counted in ClinVar's aggregate classification.

Genetic Services Laboratory, University of Chicago
Classification: Likely benign for AllHighlyPenetrant. Review status: no assertion criteria provided. Collection method: clinical testing. Allele origin: germline. Inheritance: Autosomal dominant inheritance. Not counted in ClinVar's aggregate classification.
Comment: Likely benign based on allele frequency in 1000 Genomes Project or ESP global frequency and its presence in a patient with a rare or unrelated disease phenotype. NOT Sanger confirmed.

Genome Diagnostics Laboratory, University Medical Center Utrecht
Classification: Benign. Review status: no assertion criteria provided. Collection method: clinical testing. Allele origin: germline. Affected: yes. Study: VKGL Data-share Consensus. Not counted in ClinVar's aggregate classification.